The following is an entry in ClinVar:

ClinVar aggregate classification (germline): Uncertain significance. Review status: criteria provided, multiple submitters, no conflicts (2 of 4 stars). 2 submissions from 2 submitters: Uncertain significance (2). Last evaluated 2023-07-06.

Allele frequency attached by ClinVar (database versions not stated): ExAC 0.00002; gnomAD exomes 0.00002; TOPMed 0.00002; gnomAD 0.00003; 1000 Genomes Project 0.00020; 1000 Genomes Project 30x 0.00031.
gnomAD v4.1: 18 of 1,613,794 alleles (0.0011%); highest among the groups gnomAD compares: Admixed American, 0.028%; no homozygotes.

Submissions (2):

GeneDx
Classification: Uncertain significance. Last evaluated: 2023-07-06. Review status: criteria provided, single submitter. Criteria: GeneDx Variant Classification Process June 2021. Collection method: clinical testing. Allele origin: germline. Affected: yes.
Comment: In silico analysis supports that this missense variant has a deleterious effect on protein structure/function; Has not been previously published as pathogenic or benign to our knowledge

Ambry Genetics
Classification: Uncertain significance. Last evaluated: 2022-07-05. Review status: criteria provided, single submitter. Criteria: Ambry Variant Classification Scheme 2023. Collection method: clinical testing. Allele origin: germline.

NM_004568.6(SERPINB6):c.1112G>T (p.Gly371Val)

Gene: SERPINB6 (serpin family B member 6; minus strand). Cytogenetic location: 6p25.2.
Variant type: single nucleotide variant.
Coding change: c.1112G>T on transcript NM_004568.6 (MANE Select); coding-DNA position 1112, G replaced by T.
Protein change: p.Gly371Val; replaces glycine 371 with valine.
Molecular consequence: missense variant. On other transcripts: non-coding transcript variant (1).
Genome position (GRCh38, 1-based): chr6:2,948,317, C>A on the plus strand (G>T on the coding strand, the complement: SERPINB6 is on the minus strand). VCF-style: chr6-2948317-C-A. GRCh37 (hg19) VCF-style: chr6-2948551-C-A.
Other names: c.1124G>T, p.Gly375Val (NM_001195291.3, NM_001374515.1); c.1154G>T, p.Gly385Val (NM_001271822.2); c.1169G>T, p.Gly390Val (NM_001271823.2); c.1112G>T, p.Gly371Val (NM_001271824.2, NM_001271825.2, NM_001297699.2 and 2 more transcripts); c.980G>T, p.Gly327Val (NM_001374517.1); short protein forms G385V, G390V, G327V, G375V, G371V.
Identifiers: ClinVar variation 2306183 (VCV002306183.3), dbSNP rs192407835, ClinGen allele CA3617345.